The following is an entry in ClinVar:

NC_000016.10:g.(?_2039924)_(2082514_?)dup

Genes: NTHL1 (nth like DNA glycosylase 1; minus strand), TSC2 (TSC complex subunit 2; plus strand). Cytogenetic location: 16p13.3.
Variant type: Duplication.
Identifiers: ClinVar variation 832718 (VCV000832718.6).

ClinVar aggregate classification (germline): Uncertain significance. Review status: criteria provided, single submitter (1 of 4 stars). 2 submissions from 1 submitter: Uncertain significance (1). 1 of the submissions does not count toward it. Last evaluated 2019-07-21.

Conditions:
Tuberous sclerosis 2 (TSC2). Identifiers: Orphanet 805, MedGen C1860707, MONDO:0013199, OMIM 613254.

Submissions (2):

Labcorp Genetics (formerly Invitae), Labcorp
Classification: Uncertain significance for Tuberous sclerosis 2. Last evaluated: 2019-07-21. Review status: criteria provided, single submitter. Criteria: Invitae Variant Classification Sherloc (09022015). Collection method: clinical testing. Allele origin: germline.
Comment: In summary, the available evidence is currently insufficient to determine the role of this variant in disease. Therefore, it has been classified as a Variant of Uncertain Significance. This variant has not been reported in the literature in individuals with TSC2-related conditions. This variant results in a copy number gain of the genomic region encompassing exons 1-32 of the TSC2 gene, which includes the initiator codon. The 5' end of this event is unknown as it extends beyond the assayed region for this gene and therefore may encompass additional genes. The 3' boundary is likely confined to intron 32 of the TSC2 gene. As the precise location of this event is unknown, it may be in tandem or it may be located elsewhere in the genome.

Labcorp Genetics (formerly Invitae), Labcorp
Classification: Uncertain significance. Last evaluated: 2019-07-24. Review status: flagged submission. Criteria: Invitae Variant Classification Sherloc (09022015). Collection method: clinical testing. Allele origin: germline. Not counted in ClinVar's aggregate classification.
Comment: This variant results in a copy number gain of the genomic region encompassing the full coding sequence of the NTHL1 gene. The boundaries of this event are unknown as they extend beyond the assayed region for this gene and therefore may encompass additional genes. As the precise location of this event is unknown, it may be in tandem or it may be located elsewhere in the genome. This variant has not been reported in the literature in individuals with NTHL1-related conditions. In summary, the available evidence is currently insufficient to determine the role of this variant in disease. Therefore, it has been classified as a Variant of Uncertain Significance.
ClinVar note: Reason: This record appears to be redundant with a more recent record from the same submitter.
ClinVar note: Notes: SCV001196499 appears to be redundant with SCV001560968.